The following is an entry in ClinVar:

NM_000548.5(TSC2):c.2208T>C (p.Ala736=)

Gene: TSC2 (TSC complex subunit 2; plus strand). Cytogenetic location: 16p13.3.
Variant type: single nucleotide variant.
Coding change: c.2208T>C on transcript NM_000548.5 (MANE Select); coding-DNA position 2208, T replaced by C.
Protein change: p.Ala736=; no amino-acid change (alanine 736 retained).
Molecular consequence: synonymous variant. On other transcripts: non-coding transcript variant (5).
Genome position (GRCh38, 1-based): chr16:2,072,351, T>C. VCF-style: chr16-2072351-T-C. GRCh37 (hg19) VCF-style: chr16-2122352-T-C.
Other names: c.2208T>C, p.Ala736= (NM_001077183.3, NM_001114382.3, NM_001363528.2 and 6 more transcripts); c.2097T>C, p.Ala699= (NM_001318827.2, NM_001406670.1, NM_001406678.1); c.2061T>C, p.Ala687= (NM_001318829.2, NM_001406675.1, NM_001406676.1 and 1 more transcripts); c.1608T>C, p.Ala536= (NM_001318831.2, NM_001406680.1, NM_001406682.1 and 6 more transcripts); c.2241T>C, p.Ala747= (NM_001318832.2); c.2298T>C, p.Ala766= (NM_001406667.1, NM_001406668.1); c.2196T>C, p.Ala732= (NM_001406671.1, NM_001406673.1); c.2151T>C, p.Ala717= (NM_001406677.1); and 3 more.
Identifiers: ClinVar variation 3329506 (VCV003329506.2).

ClinVar aggregate classification (germline): Benign/Likely benign. Review status: criteria provided, multiple submitters, no conflicts (2 of 4 stars). 2 submissions from 2 submitters: Benign (1); Likely benign (1). Last evaluated 2025-05-19.

Conditions:
Tuberous sclerosis 2 (TSC2). Identifiers: Orphanet 805, MedGen C1860707, MONDO:0013199, OMIM 613254.
Hereditary cancer-predisposing syndrome. Also called: Hereditary Cancer Syndrome; Tumor predisposition; Neoplastic Syndromes, Hereditary; Hereditary neoplastic syndrome. Identifiers: Orphanet 140162, MedGen C0027672, MeSH D009386, MONDO:0015356.

gnomAD v4.1: 3 of 1,613,922 alleles (0.00019%); highest among the groups gnomAD compares: African/African-American, 0.0013%; no homozygotes.

Submissions (2):

Myriad Genetics, Inc.
Classification: Benign for Tuberous sclerosis 2. Last evaluated: 2025-05-19. Review status: criteria provided, single submitter. Criteria: Myriad Autosomal Dominant, Autosomal Recessive and X-Linked Classification Criteria (2023). Collection method: clinical testing. Allele origin: unknown.
Comment: This variant is considered benign. This variant is a silent/synonymous amino acid change and it is not expected to impact splicing.

Ambry Genetics
Classification: Likely benign for Hereditary cancer-predisposing syndrome. Last evaluated: 2024-04-28. Review status: criteria provided, single submitter. Criteria: Ambry Variant Classification Scheme 2023. Collection method: clinical testing. Allele origin: germline.